The following is an entry in ClinVar:

NM_000218.3(KCNQ1):c.1201del (p.Arg401fs)

Gene: KCNQ1 (potassium voltage-gated channel subfamily Q member 1; plus strand). Cytogenetic location: 11p15.5.
Variant type: Deletion.
Coding change: c.1201del on transcript NM_000218.3 (MANE Select); coding-DNA position 1201, one base deleted (C; older notation c.1201delC).
Protein change: p.Arg401fs; shifts the reading frame from arginine 401.
Molecular consequence: frameshift variant.
Genome position (GRCh38, 1-based): chr11:2,587,642, C deleted; the last of 6 consecutive C bases (chr11:2,587,637-2,587,642); deleting any one gives the same sequence. VCF-style (leftmost placement, unchanged base first): chr11-2587636-GC-G. GRCh37 (hg19) VCF-style: chr11-2608866-GC-G.
Other names: c.1105del, p.Arg369fs (NM_001406836.1); c.931del, p.Arg311fs (NM_001406837.1); c.661del, p.Arg221fs (NM_001406838.1); c.820del, p.Arg274fs (NM_181798.2); short protein forms R369fs, R311fs, R221fs, R401fs, R274fs.
Identifiers: ClinVar variation 3720989 (VCV003720989.2).

ClinVar aggregate classification (germline): Pathogenic (1 of 4 stars; one submission).

Conditions:
Long QT syndrome (LQTS). Identifiers: MedGen C0023976, MeSH D008133, MONDO:0002442. Disease mechanism: loss of function. Inheritance: Various modes of inheritance.

Submission:

Labcorp Genetics (formerly Invitae), Labcorp
Classification: Pathogenic for Long QT syndrome. Last evaluated: 2024-08-31. Review status: criteria provided, single submitter. Criteria: Invitae Variant Classification Sherloc (09022015). Collection method: clinical testing. Allele origin: germline.
Comment: This sequence change creates a premature translational stop signal (p.Arg401Glyfs*18) in the KCNQ1 gene. It is expected to result in an absent or disrupted protein product. Loss-of-function variants in KCNQ1 are known to be pathogenic (PMID: 9323054, 19862833). The frequency data for this variant in the population databases is considered unreliable, as metrics indicate poor data quality at this position in the gnomAD database. This variant has not been reported in the literature in individuals affected with KCNQ1-related conditions. For these reasons, this variant has been classified as Pathogenic.

Literature cited by the submitters: PubMed 9323054; PubMed 19862833.